The following is an entry in ClinVar:

NM_000350.3(ABCA4):c.3532del (p.Ser1178fs)

Gene: ABCA4 (ATP binding cassette subfamily A member 4; minus strand). Cytogenetic location: 1p22.1.
Variant type: Deletion.
Coding change: c.3532del on transcript NM_000350.3 (MANE Select); coding-DNA position 3532, one base deleted (A; older notation c.3532delA).
Protein change: p.Ser1178fs; shifts the reading frame from serine 1178.
Molecular consequence: frameshift variant.
Genome position (GRCh38, 1-based): chr1:94,040,118, T deleted on the plus strand (A on the coding strand, the reverse complement: ABCA4 is on the minus strand). VCF-style (leftmost placement, unchanged base first): chr1-94040117-CT-C. GRCh37 (hg19) VCF-style: chr1-94505673-CT-C.
Other names: c.3310delA, p.Ser1104Alafs (NM_001425324.1); short protein forms S1178fs.
Identifiers: ClinVar variation 1457502 (VCV001457502.6), dbSNP rs2101047091, ClinGen allele CA2573131999.
Genomic context (GRCh38, chr1:94,040,117, plus strand): 5'-TCTGGAGTTAGGTCATCGACGTGGGCTGGACACGTGGTGGAGAAACCCTTAGACGAGCAG[CT>C]GCAGGTCCCCTGCAACAGATGGATGGGATGACTGACAAGATGCACATCCCTTCCATGACA-3'

ClinVar aggregate classification (germline): Pathogenic (1 of 4 stars; one submission).

Submission:

Labcorp Genetics (formerly Invitae), Labcorp
Classification: Pathogenic. Last evaluated: 2021-03-09. Review status: criteria provided, single submitter. Criteria: Invitae Variant Classification Sherloc (09022015). Collection method: clinical testing. Allele origin: germline.
Comment: This variant is not present in population databases (ExAC no frequency). This variant has not been reported in the literature in individuals with ABCA4-related conditions. For these reasons, this variant has been classified as Pathogenic. This sequence change creates a premature translational stop signal (p.Ser1178Alafs*18) in the ABCA4 gene. It is expected to result in an absent or disrupted protein product. Loss-of-function variants in ABCA4 are known to be pathogenic (PMID: 10958761, 24938718, 25312043, 26780318).

Literature cited by the submitters: PubMed 10958761; PubMed 24938718; PubMed 25312043; PubMed 26780318.